The following is an entry in ClinVar:

NM_002016.2(FLG):c.3436C>A (p.His1146Asn)

Genes: CCDST (cervical cancer associated DHX9 suppressive transcript; plus strand), FLG (filaggrin; minus strand). Cytogenetic location: 1q21.3.
Variant type: single nucleotide variant.
Coding change: c.3436C>A on transcript NM_002016.2 (MANE Select); coding-DNA position 3436, C replaced by A.
Protein change: p.His1146Asn; replaces histidine 1146 with asparagine.
Molecular consequence: missense variant.
Genome position (GRCh38, 1-based): chr1:152,311,450, G>T on the plus strand (C>A on the coding strand, the complement: FLG is on the minus strand). VCF-style: chr1-152311450-G-T. GRCh37 (hg19) VCF-style: chr1-152283926-G-T.
Other names: short protein forms H1146N.
Identifiers: ClinVar variation 2639297 (VCV002639297.25), dbSNP rs376703034, ClinGen allele CA1106683.
Genomic context (GRCh38, chr1:152,311,450, plus strand): 5'-GAATGGTGTCCTGACCCTCTTGGGACGCTGAGTGCCTGGAGCTGTCTCGTGCCTGCTCGT[G>T]GTGGGATCCTTGTCTTCGTCCAGTGCTGGTCCTGGTCCGCCCATGGGCAGACTCAGACTG-3'
Protein context (NP_002007.1, residues 1136-1156): TSTGRRQGSH[His1146Asn]EQARDSSRHS

ClinVar aggregate classification (germline): Conflicting classifications of pathogenicity. Review status: criteria provided, conflicting classifications (1 of 4 stars). 2 submissions from 2 submitters: Uncertain significance (1); Likely benign (1). Last evaluated 2023-06-01.

Conditions:
Ichthyosis vulgaris. Also called: ICHTHYOSIS SIMPLEX; Dominant ichthyosis vulgaris. Identifiers: MedGen C0079584, MONDO:0024304, OMIM 146700.

Allele frequency attached by ClinVar (database versions not stated): ESP Exome Variant Server 0.00008; TOPMed 0.00014; 1000 Genomes Project 30x 0.00016; ExAC 0.00017; 1000 Genomes Project 0.00020.
gnomAD v4.1: 317 of 1,613,912 alleles (0.02%); highest among the groups gnomAD compares: Middle Eastern, 0.5%; 1 homozygote.

Submissions (2):

CeGaT Center for Human Genetics Tuebingen
Classification: Likely benign. Last evaluated: 2023-06-01. Review status: criteria provided, single submitter. Criteria: CeGaT Center For Human Genetics Tuebingen Variant Classification Criteria Version 2. Collection method: clinical testing. Allele origin: germline. Affected: yes. Observed: 3 variant alleles.
Comment: FLG: BP4

Department of Pathology and Laboratory Medicine, Sinai Health System
Classification: Uncertain significance for Ichthyosis vulgaris. Last evaluated: 2020-08-17. Review status: criteria provided, single submitter. Criteria: ACMG Guidelines, 2015. Collection method: research. Allele origin: germline.